The following is an entry in ClinVar:

ClinVar aggregate classification (germline): Likely benign. Review status: criteria provided, multiple submitters, no conflicts (2 of 4 stars). 3 submissions from 3 submitters: Likely benign (3). Last evaluated 2026-02-01.

Conditions:
Multiple acyl-CoA dehydrogenase deficiency (MADD). Also called: Glutaric aciduria, type 2; ETHYLMALONIC-ADIPICACIDURIA; GA II; Glutaric acidemia type II; GA 2; Glutaric Acidemia type 2. Identifiers: Orphanet 26791, MedGen C0268596, MONDO:0009282, OMIM 231680.

Allele frequency attached by ClinVar (database versions not stated): gnomAD exomes 0.00003 and 0.00006; ExAC 0.00007; ESP Exome Variant Server 0.00015; 1000 Genomes Project 30x 0.00016; 1000 Genomes Project 0.00020; TOPMed 0.00024; gnomAD 0.00027 and 0.00028.
gnomAD v4.1: 79 of 1,585,278 alleles (0.005%); highest among the groups gnomAD compares: African/African-American, 0.094%; no homozygotes.

Submissions (3):

Labcorp Genetics (formerly Invitae), Labcorp
Classification: Likely benign for Multiple acyl-CoA dehydrogenase deficiency. Last evaluated: 2026-02-01. Review status: criteria provided, single submitter. Criteria: Invitae Variant Classification Sherloc (09022015). Collection method: clinical testing. Allele origin: germline.

Blueprint Genetics
Classification: Likely benign. Last evaluated: 2021-09-06. Review status: criteria provided, single submitter. Criteria: ACMG Guidelines, 2015. Collection method: clinical testing. Allele origin: germline.

GeneDx
Classification: Likely benign. Last evaluated: 2017-08-15. Review status: criteria provided, single submitter. Criteria: GeneDx Variant Classification (06012015). Collection method: clinical testing. Allele origin: germline. Affected: yes.
Comment: This variant is considered likely benign or benign based on one or more of the following criteria: it is a conservative change, it occurs at a poorly conserved position in the protein, it is predicted to be benign by multiple in silico algorithms, and/or has population frequency not consistent with disease.

NM_004453.4(ETFDH):c.441T>C (p.Phe147=)

Gene: ETFDH (electron transfer flavoprotein dehydrogenase; plus strand). Cytogenetic location: 4q32.1.
Variant type: single nucleotide variant.
Coding change: c.441T>C on transcript NM_004453.4 (MANE Select); coding-DNA position 441, T replaced by C.
Protein change: p.Phe147=; no amino-acid change (phenylalanine 147 retained).
Molecular consequence: synonymous variant.
Genome position (GRCh38, 1-based): chr4:158,684,627, T>C. VCF-style: chr4-158684627-T-C. GRCh37 (hg19) VCF-style: chr4-159605779-T-C.
Other names: c.300T>C, p.Phe100= (NM_001281737.2); c.258T>C, p.Phe86= (NM_001281738.1).
Identifiers: ClinVar variation 511397 (VCV000511397.12), dbSNP rs138149265, ClinGen allele CA3122359.
Genomic context (GRCh38, chr4:158,684,627, plus strand): 5'-TTTCTTTTTCTTCTTTTATTTCTAGGCTCCACTTAACACTCCTGTAACAGAAGACAGATT[T>C]GGAATTTTAACAGAGAAATACAGAATTCCTGTGCCAATTCTTCCAGGTAAGGTATAGTGA-3'
Protein context (NP_004444.2, residues 137-157): PLNTPVTEDR[Phe147=]GILTEKYRIP